The following is an entry in ClinVar:

NM_001849.4(COL6A2):c.1437_1447del (p.Leu480fs)

Gene: COL6A2 (collagen type VI alpha 2 chain; plus strand). Cytogenetic location: 21q22.3.
Variant type: Deletion.
Coding change: c.1437_1447del on transcript NM_001849.4 (MANE Select); coding-DNA positions 1437 to 1447, 11 bases deleted (TCTTGGGGAGC).
Protein change: p.Leu480fs; shifts the reading frame from leucine 480.
Molecular consequence: frameshift variant.
Genome position (GRCh38, 1-based): chr21:46,121,102-46,121,112, TCTTGGGGAGC deleted; deleting any 11 consecutive bases within chr21:46,121,096-46,121,112 gives the same sequence; the c. name uses the placement nearest the transcript's 3' end. VCF-style (leftmost placement, unchanged base first): chr21-46121095-AGGGAGCTCTTG-A. GRCh37 (hg19) VCF-style: chr21-47541009-AGGGAGCTCTTG-A.
Other names: c.1437_1447del, p.Leu480fs (NM_058174.3, NM_058175.3); short protein forms L480fs.
Identifiers: ClinVar variation 2836093 (VCV002836093.3), dbSNP rs2517005999, ClinGen allele CA2739267733.

ClinVar aggregate classification (germline): Pathogenic (1 of 4 stars; one submission).

Conditions:
Bethlem myopathy 1A. Also called: Bethlem myopathy 1; MYOPATHY, BENIGN CONGENITAL, WITH CONTRACTURES; Bethlem Muscular Dystrophy. Identifiers: Orphanet 610, MedGen CN029274, MONDO:0024530, OMIM 158810.

Submission:

Labcorp Genetics (formerly Invitae), Labcorp
Classification: Pathogenic for Bethlem myopathy 1A. Last evaluated: 2023-02-10. Review status: criteria provided, single submitter. Criteria: Invitae Variant Classification Sherloc (09022015). Collection method: clinical testing. Allele origin: germline.
Comment: For these reasons, this variant has been classified as Pathogenic. This variant has not been reported in the literature in individuals affected with COL6A2-related conditions. This variant is not present in population databases (gnomAD no frequency). This sequence change creates a premature translational stop signal (p.Leu480Argfs*11) in the COL6A2 gene. It is expected to result in an absent or disrupted protein product. Loss-of-function variants in COL6A2 are known to be pathogenic (PMID: 19884007, 20976770).

Literature cited by the submitters: PubMed 19884007; PubMed 20976770.